The following is an entry in ClinVar:

NM_000059.4(BRCA2):c.8329A>G (p.Lys2777Glu)

Gene: BRCA2 (BRCA2 DNA repair associated; plus strand). Cytogenetic location: 13q13.1.
Variant type: single nucleotide variant.
Coding change: c.8329A>G on transcript NM_000059.4 (MANE Select); coding-DNA position 8329, A replaced by G.
Protein change: p.Lys2777Glu; replaces lysine 2777 with glutamic acid.
Molecular consequence: missense variant.
Genome position (GRCh38, 1-based): chr13:32,363,531, A>G. VCF-style: chr13-32363531-A-G. GRCh37 (hg19) VCF-style: chr13-32937668-A-G.
Other names: short protein forms K2777E.
Identifiers: ClinVar variation 224474 (VCV000224474.7), dbSNP rs886037818, ClinGen allele CA10575930.
Genomic context (GRCh38, chr13:32,363,531, plus strand): 5'-GAACTGGTGGGCTCTCCTGATGCCTGTACACCTCTTGAAGCCCCAGAATCTCTTATGTTA[A>G]AGGTAAATTAATTTGCACTCTTGGTAAAAATCAGTCATTGATTCAGTTAAATTCTAGAAG-3'
Protein context (NP_000050.3, residues 2767-2787): PLEAPESLML[Lys2777Glu]ISANSTRPAR

ClinVar aggregate classification (germline): Uncertain significance. Review status: criteria provided, multiple submitters, no conflicts (2 of 4 stars). 2 submissions from 2 submitters: Uncertain significance (2). Last evaluated 2018-06-24.

Conditions:
Breast neoplasm. Also called: Neoplasm of breast; Breast tumor; Neoplasm of the breast; Breast Neoplasms. Identifiers: MedGen C1458155, MeSH D001943, MONDO:0021100, HP:0100013. Disease mechanism: gain of function.
Hereditary breast ovarian cancer syndrome. Also called: Hereditary breast and ovarian cancer; BRCA1- and BRCA2-Associated Hereditary Breast and Ovarian Cancer; Hereditary breast and ovarian cancer syndrome; Hereditary breast and ovarian cancer syndrome (HBOC); Breast and ovarian cancer; Hereditary breast and/or ovarian cancer syndrome. Identifiers: Orphanet 145, MedGen C0677776, MeSH D061325, MONDO:0003582. Disease mechanism: loss of function.

Submissions (2):

Labcorp Genetics (formerly Invitae), Labcorp
Classification: Uncertain significance for Hereditary breast ovarian cancer syndrome. Last evaluated: 2018-06-24. Review status: criteria provided, single submitter. Criteria: Invitae Variant Classification Sherloc (09022015). Collection method: clinical testing. Allele origin: germline.
Comment: Algorithms developed to predict the effect of sequence changes on RNA splicing suggest that this variant may create or strengthen a splice site, but this prediction has not been confirmed by published transcriptional studies. Algorithms developed to predict the effect of missense changes on protein structure and function (SIFT, PolyPhen-2, Align-GVGD) all suggest that this variant is likely to be disruptive, but these predictions have not been confirmed by published functional studies and their clinical significance is uncertain. This variant has been observed in an individual affected with breast cancer (PMID: 27257965). ClinVar contains an entry for this variant (Variation ID: 224474). This variant is not present in population databases (ExAC no frequency). This sequence change replaces lysine with glutamic acid at codon 2777 of the BRCA2 protein (p.Lys2777Glu). The lysine residue is highly conserved and there is a small physicochemical difference between lysine and glutamic acid. In summary, the available evidence is currently insufficient to determine the role of this variant in disease. Therefore, it has been classified as a Variant of Uncertain Significance.

Laboratory of Molecular Diagnosis of Cancer, West China Hospital, Sichuan University
Classification: Uncertain significance for Breast neoplasm. Last evaluated: 2015-11-01. Review status: criteria provided, single submitter. Criteria: ACMG Guidelines, 2015. Collection method: research. Allele origin: germline. Affected: yes. Observed: 1 variant allele.

Literature cited by the submitters: PubMed 27257965 (cited by Labcorp Genetics (formerly Invitae), Labcorp and Laboratory of Molecular Diagnosis of Cancer, West China Hospital, Sichuan University).